The following is an entry in ClinVar:

NM_004006.3(DMD):c.6081del (p.Phe2028fs)

Gene: DMD (dystrophin; minus strand). Cytogenetic location: Xp21.1.
Variant type: Deletion.
Coding change: c.6081del on transcript NM_004006.3 (MANE Select); coding-DNA position 6081, one base deleted (C; older notation c.6081delC).
Protein change: p.Phe2028fs; shifts the reading frame from phenylalanine 2028.
Molecular consequence: frameshift variant.
Genome position (GRCh38, 1-based): chrX:32,310,118, G deleted on the plus strand (C on the coding strand, the reverse complement: DMD is on the minus strand). VCF-style (leftmost placement, unchanged base first): chrX-32310117-AG-A. GRCh37 (hg19) VCF-style: chrX-32328234-AG-A.
Other names: c.6057del, p.Phe2020fs (NM_000109.4); c.6081delC, p.Phe2028Leufs (NM_004006.2); c.6069del, p.Phe2024fs (NM_004009.3); c.5712del, p.Phe1905fs (NM_004010.3); c.2058del, p.Phe687fs (NM_004011.4); c.2049del, p.Phe684fs (NM_004012.4); short protein forms F1905fs, F2020fs, F2024fs, F2028fs, F684fs, F687fs.
Identifiers: ClinVar variation 4815316 (VCV004815316.1).

ClinVar aggregate classification (germline): Likely pathogenic (1 of 4 stars; one submission).

Conditions:
Becker muscular dystrophy, Cardiomyopathy, Duchenne muscular dystrophy, Dystrophin deficiency.

Submission:

Natera, Inc.
Classification: Likely pathogenic for Becker muscular dystrophy, Cardiomyopathy, Duchenne muscular dystrophy, Dystrophin deficiency. Last evaluated: 2025-12-03. Review status: criteria provided, single submitter. Criteria: Natera Variant Classification Schema (03/2026). Collection method: clinical testing. Allele origin: germline.
Comment: The c.6081del variant in DMD is a frameshift variant predicted to shift the reading frame beginning at codon 2028 and leads to a stop codon 11 codons downstream. This variant is expected to result in nonsense mediated decay, truncation, or a dysfunctional protein product. This variant is rare in the general population with a frequency below the threshold expected for the associated phenotype(s). Given the available evidence, this variant is classified as Likely Pathogenic.